The following is an entry in ClinVar:

ClinVar aggregate classification (germline): Uncertain significance (1 of 4 stars; one submission).

Conditions:
Developmental delay, hypotonia, and impaired language (DEDHIL). Identifiers: MedGen C5774202, MONDO:0859280, OMIM 620012.

gnomAD v4.1: 1 of 1,613,212 alleles (0.000062%); highest among the groups gnomAD compares: Non-Finnish European, 0.000085%; no homozygotes.

Submission:

3billion
Classification: Uncertain significance for Developmental delay, hypotonia, and impaired language. Last evaluated: 2023-12-19. Review status: criteria provided, single submitter. Criteria: ACMG Guidelines, 2015. Collection method: clinical testing. Allele origin: germline. Affected: yes.
Comment: The variant is not observed in the gnomAD v2.1.1 dataset. Predicted Consequence/Location: Missense changes are a common disease-causing mechanism. In silico tool predictions suggest damaging effect of the variant on gene or gene product [REVEL: 0.61 (>=0.6, sensitivity 0.68 and specificity 0.92); 3Cnet: 0.23 (>=0.6, sensitivity 0.72 and precision 0.9)]. Therefore, this variant is classified as VUS according to the recommendation of ACMG/AMP guideline.

NM_001349798.2(FBXW7):c.1607C>T (p.Thr536Met)

Gene: FBXW7 (F-box and WD repeat domain containing 7; minus strand). Cytogenetic location: 4q31.3.
Variant type: single nucleotide variant.
Coding change: c.1607C>T on transcript NM_001349798.2 (MANE Select); coding-DNA position 1607, C replaced by T.
Protein change: p.Thr536Met; replaces threonine 536 with methionine.
Molecular consequence: missense variant.
Genome position (GRCh38, 1-based): chr4:152,326,043, G>A on the plus strand (C>T on the coding strand, the complement: FBXW7 is on the minus strand). VCF-style: chr4-152326043-G-A. GRCh37 (hg19) VCF-style: chr4-153247195-G-A.
Other names: c.1253C>T, p.Thr418Met (NM_001013415.2); c.1367C>T, p.Thr456Met (NM_018315.5); c.1607C>T, p.Thr536Met (NM_033632.3); short protein forms T418M, T456M, T536M.
Identifiers: ClinVar variation 3775486 (VCV003775486.1).
Genomic context (GRCh38, chr4:152,326,043, plus strand): 5'-AAGGGAGAGATAAGAGATCTTACCTGTAATGAATAGACTCTATTAGTATGCCCCTGCAAC[G>A]TGTGTAGACAGGTTTCAGTCTCTGGATCCCACACCTTTACCATAAAATCATATGCTCCAC-3'
Protein context (NP_001336727.1, residues 526-546): WDPETETCLH[Thr536Met]LQGHTNRVYS